The following is an entry in ClinVar:

ClinVar aggregate classification (germline): Benign. Review status: criteria provided, multiple submitters, no conflicts (2 of 4 stars). 6 submissions from 6 submitters: Benign (5). 1 of the submissions does not count toward it. Last evaluated 2026-02-03.

Conditions:
OTOG-related disorder. Also called: OTOG-related condition.

Allele frequency attached by ClinVar (database versions not stated): TOPMed 0.03774; gnomAD exomes 0.04027 and 0.04424; 1000 Genomes Project 0.04912; ExAC 0.05947; 1000 Genomes Project 30x 0.04809; gnomAD 0.03832 and 0.03997.

Submissions (6):

Labcorp Genetics (formerly Invitae), Labcorp
Classification: Benign. Last evaluated: 2026-02-03. Review status: criteria provided, single submitter. Criteria: Invitae Variant Classification Sherloc (09022015). Collection method: clinical testing. Allele origin: germline.

Mayo Clinic Laboratories, Mayo Clinic
Classification: Benign. Last evaluated: 2021-01-07. Review status: criteria provided, single submitter. Criteria: ACMG Guidelines, 2015. Collection method: clinical testing. Allele origin: germline. Observed: 10 variant alleles.

GeneDx
Classification: Benign. Last evaluated: 2017-05-09. Review status: criteria provided, single submitter. Criteria: GeneDx Variant Classification (06012015). Collection method: clinical testing. Allele origin: germline. Affected: yes.
Comment: This variant is considered likely benign or benign based on one or more of the following criteria: it is a conservative change, it occurs at a poorly conserved position in the protein, it is predicted to be benign by multiple in silico algorithms, and/or has population frequency not consistent with disease.

Laboratory for Molecular Medicine, Mass General Brigham Personalized Medicine
Classification: Benign. Last evaluated: 2014-11-24. Review status: criteria provided, single submitter. Criteria: LMM Criteria. Collection method: clinical testing. Allele origin: germline. Observed: 60 variant alleles.
Comment: 7930+8C>T in intron 47 of OTOG: This variant is not expected to have clinical si gnificance because it is not located within the conserved splice consensus seque nce. It has been identified in 7.2% (14/194) of Luhya (Kenyan) chromosomes from a broad population by the 1000 Genomes Project (ects/SNP; dbSNP rs11024353).

Breakthrough Genomics
Classification: Benign. Review status: criteria provided, single submitter. Criteria: ACMG Guidelines, 2015. Collection method: not provided. Allele origin: germline. Inheritance: Autosomal recessive inheritance. Affected: yes.

PreventionGenetics, part of Exact Sciences
Classification: Benign for OTOG-related condition. Last evaluated: 2019-03-29. Review status: no assertion criteria provided. Collection method: clinical testing. Allele origin: germline. Not counted in ClinVar's aggregate classification.
Comment: This variant is classified as benign based on ACMG/AMP sequence variant interpretation guidelines (Richards et al. 2015 PMID: 25741868, with internal and published modifications).

NM_001292063.2(OTOG):c.7894+8C>T

Gene: OTOG (otogelin; plus strand). Cytogenetic location: 11p15.1.
Variant type: single nucleotide variant.
Coding change: c.7894+8C>T on transcript NM_001292063.2 (MANE Select); 8 bases into the intron after coding-DNA position 7894, C replaced by T.
Molecular consequence: intron variant.
Genome position (GRCh38, 1-based): chr11:17,638,557, C>T. VCF-style: chr11-17638557-C-T. GRCh37 (hg19) VCF-style: chr11-17660104-C-T.
Other names: p.?; c.7930+8C>T (NM_001277269.2).
Identifiers: ClinVar variation 226912 (VCV000226912.17), dbSNP rs11024353, ClinGen allele CA5906184.